The following is an entry in ClinVar:

ClinVar aggregate classification (germline): Uncertain significance (1 of 4 stars; one submission).

Conditions:
Oligodontia-cancer predisposition syndrome. Also called: TOOTH AGENESIS-COLORECTAL CANCER SYNDROME. Identifiers: Orphanet 300576, MedGen C1837750, MONDO:0012075, OMIM 608615. Disease mechanism: loss of function.

Submission:

Labcorp Genetics (formerly Invitae), Labcorp
Classification: Uncertain significance for Oligodontia-cancer predisposition syndrome. Last evaluated: 2024-01-16. Review status: criteria provided, single submitter. Criteria: Invitae Variant Classification Sherloc (09022015). Collection method: clinical testing. Allele origin: germline.
Comment: This sequence change replaces serine, which is neutral and polar, with cysteine, which is neutral and slightly polar, at codon 387 of the AXIN2 protein (p.Ser387Cys). This variant is not present in population databases (gnomAD no frequency). This variant has not been reported in the literature in individuals affected with AXIN2-related conditions. Advanced modeling of protein sequence and biophysical properties (such as structural, functional, and spatial information, amino acid conservation, physicochemical variation, residue mobility, and thermodynamic stability) performed at Invitae indicates that this missense variant is not expected to disrupt AXIN2 protein function with a negative predictive value of 80%. In summary, the available evidence is currently insufficient to determine the role of this variant in disease. Therefore, it has been classified as a Variant of Uncertain Significance.

NM_004655.4(AXIN2):c.1159A>T (p.Ser387Cys)

Gene: AXIN2 (axin 2; minus strand). Cytogenetic location: 17q24.1.
Variant type: single nucleotide variant.
Coding change: c.1159A>T on transcript NM_004655.4 (MANE Select); coding-DNA position 1159, A replaced by T.
Protein change: p.Ser387Cys; replaces serine 387 with cysteine.
Molecular consequence: missense variant.
Genome position (GRCh38, 1-based): chr17:65,538,244, T>A on the plus strand (A>T on the coding strand, the complement: AXIN2 is on the minus strand). VCF-style: chr17-65538244-T-A. GRCh37 (hg19) VCF-style: chr17-63534362-T-A.
Other names: c.1159A>T, p.Ser387Cys (NM_001363813.1); short protein forms S387C.
Identifiers: ClinVar variation 2709513 (VCV002709513.3), dbSNP rs1598100869, ClinGen allele CA400678278.